The following is an entry in ClinVar:

NM_002941.4(ROBO1):c.1328T>G (p.Leu443Trp)

Gene: ROBO1 (roundabout guidance receptor 1; minus strand). Cytogenetic location: 3p12.3.
Variant type: single nucleotide variant.
Coding change: c.1328T>G on transcript NM_002941.4 (MANE Select); coding-DNA position 1328, T replaced by G.
Protein change: p.Leu443Trp; replaces leucine 443 with tryptophan.
Molecular consequence: missense variant.
Genome position (GRCh38, 1-based): chr3:78,685,760, A>C on the plus strand (T>G on the coding strand, the complement: ROBO1 is on the minus strand). VCF-style: chr3-78685760-A-C. GRCh37 (hg19) VCF-style: chr3-78734910-A-C.
Other names: c.1220T>G, p.Leu407Trp (NM_001145845.2, NM_133631.4); short protein forms L407W, L443W.
Identifiers: ClinVar variation 3252884 (VCV003252884.1), dbSNP rs2472330806.
Genomic context (GRCh38, chr3:78,685,760, plus strand): 5'-CTAAGTCAAACTTGGACATTTTGAAATAAAATGTTTTACACTTTACCATCTGTAACTTCC[A>C]AATATGCCTTTGTGATGATGCTTCCAGCAACATTTAAAGTCTGGCAGATGTAATAACCAA-3'
Protein context (NP_002932.1, residues 433-453): VAGSIITKAY[Leu443Trp]EVTDVIADRP

ClinVar aggregate classification (germline): Uncertain significance (1 of 4 stars; one submission).

Submission:

GeneDx
Classification: Uncertain significance. Last evaluated: 2023-06-12. Review status: criteria provided, single submitter. Criteria: GeneDx Variant Classification Process June 2021. Collection method: clinical testing. Allele origin: germline. Affected: yes.
Comment: Not observed at significant frequency in large population cohorts (gnomAD); In silico analysis supports that this missense variant has a deleterious effect on protein structure/function; Has not been previously published as pathogenic or benign to our knowledge